The following is an entry in ClinVar:

NM_000459.5(TEK):c.1570G>A (p.Glu524Lys)

Gene: TEK (TEK receptor tyrosine kinase; plus strand). Cytogenetic location: 9p21.2.
Variant type: single nucleotide variant.
Coding change: c.1570G>A on transcript NM_000459.5 (MANE Select); coding-DNA position 1570, G replaced by A.
Protein change: p.Glu524Lys; replaces glutamic acid 524 with lysine.
Molecular consequence: missense variant.
Genome position (GRCh38, 1-based): chr9:27,192,569, G>A. VCF-style: chr9-27192569-G-A. GRCh37 (hg19) VCF-style: chr9-27192567-G-A.
Other names: c.1441G>A, p.Glu481Lys (NM_001290077.2, NM_001375476.1); c.1129G>A, p.Glu377Lys (NM_001290078.2); c.1570G>A, p.Glu524Lys (NM_001375475.1); short protein forms E524K, E481K, E377K.
Identifiers: ClinVar variation 4974666 (VCV004974666.1).
Genomic context (GRCh38, chr9:27,192,569, plus strand): 5'-CTCAACTATTTGGAACCTCGGACAGAATATGAACTCTGTGTGCAACTGGTCCGTCGTGGA[G>A]AGGGTGGGGAAGGGCATCCTGGACCTGTGAGACGCTTCACAACAGCTTCTATCGGTCAGT-3'
Protein context (NP_000450.3, residues 514-534): ELCVQLVRRG[Glu524Lys]GGEGHPGPVR

ClinVar aggregate classification (germline): Uncertain significance (1 of 4 stars; one submission).

Conditions:
Multiple cutaneous and mucosal venous malformations (VMCM). Also called: TEK-Related Multiple Cutaneous and Mucosal Venous Malformations (VMCM). Identifiers: Orphanet 2451, MedGen C1838437, MONDO:0010842, OMIM 600195.

gnomAD v4.1: 7 of 1,613,906 alleles (0.00043%); highest among the groups gnomAD compares: Admixed American, 0.012%; no homozygotes.

Submission:

Clinical Genomics Laboratory, Washington University in St. Louis
Classification: Uncertain significance for Multiple cutaneous and mucosal venous malformations. Last evaluated: 2025-10-22. Review status: criteria provided, single submitter. Criteria: ACMG Guidelines, 2015. Collection method: clinical testing. Allele origin: germline.
Comment: A TEK c.1570G>A (p.Glu524Lys) variant was identified at a near heterozygous allelic fraction of 49%, a frequency which may be consistent with it being of germline origin. This variant, to our knowledge, has not been reported in the medical literature or the ClinVar database. This variant is observed only in 7/1,613,906 alleles in the general population (gnomAD v4.1.0), indicating it is not a common variant. Computational predictors suggest that the variant does not impact TEK function. Due to limited information, and based on ACMG/AMP guidelines for variant interpretation (Richards S et al., PMID: 25741868), the clinical significance of this variant is uncertain at this time.